The following is an entry in ClinVar:

ClinVar aggregate classification (germline): Pathogenic (1 of 4 stars; one submission).

Submission:

Labcorp Genetics (formerly Invitae), Labcorp
Classification: Pathogenic. Last evaluated: 2023-08-11. Review status: criteria provided, single submitter. Criteria: Invitae Variant Classification Sherloc (09022015). Collection method: clinical testing. Allele origin: germline.
Comment: This variant is not present in population databases (gnomAD no frequency). For these reasons, this variant has been classified as Pathogenic. This sequence change creates a premature translational stop signal (p.Leu882Glnfs*5) in the UBR1 gene. It is expected to result in an absent or disrupted protein product. Loss-of-function variants in UBR1 are known to be pathogenic (PMID: 24599544). This variant has not been reported in the literature in individuals affected with UBR1-related conditions.

Literature cited by the submitters: PubMed 24599544.

NM_174916.3(UBR1):c.2626_2644dup (p.Leu882delinsGlnGlnSerAspTer)

Gene: UBR1 (ubiquitin protein ligase E3 component n-recognin 1; minus strand). Cytogenetic location: 15q15.2.
Variant type: Duplication.
Coding change: c.2626_2644dup on transcript NM_174916.3 (MANE Select); coding-DNA positions 2626 to 2644, 19 bases duplicated (AGCAAAGTGATTAACCTTC).
Protein change: p.Leu882delinsGlnGlnSerAspTer.
Molecular consequence: nonsense.
Genome position (GRCh38, 1-based): chr15:43,024,924-43,024,942, GAAGGTTAATCACTTTGCT duplicated on the plus strand (AGCAAAGTGATTAACCTTC on the coding strand, the reverse complement: UBR1 is on the minus strand); duplicating any 19 consecutive bases within chr15:43,024,924-43,024,945 gives the same sequence; the c. name uses the placement nearest the transcript's 3' end. VCF-style (leftmost placement, unchanged base first): chr15-43024923-A-AGAAGGTTAATCACTTTGCT. GRCh37 (hg19) VCF-style: chr15-43317121-A-AGAAGGTTAATCACTTTGCT.
Identifiers: ClinVar variation 2751937 (VCV002751937.3), dbSNP rs2542970874, ClinGen allele CA2697554399.